The following is an entry in ClinVar:

NM_020435.4(GJC2):c.364C>G (p.Arg122Gly)

Gene: GJC2 (gap junction protein gamma 2; plus strand). Cytogenetic location: 1q42.13.
Variant type: single nucleotide variant.
Coding change: c.364C>G on transcript NM_020435.4 (MANE Select); coding-DNA position 364, C replaced by G.
Protein change: p.Arg122Gly; replaces arginine 122 with glycine.
Molecular consequence: missense variant.
Genome position (GRCh38, 1-based): chr1:228,158,122, C>G. VCF-style: chr1-228158122-C-G. GRCh37 (hg19) VCF-style: chr1-228345823-C-G.
Other names: short protein forms R122G.
Identifiers: ClinVar variation 938491 (VCV000938491.10), dbSNP rs1171061411, ClinGen allele CA345097554.

ClinVar aggregate classification (germline): Uncertain significance. Review status: criteria provided, multiple submitters, no conflicts (2 of 4 stars). 2 submissions from 2 submitters: Uncertain significance (2). Last evaluated 2025-09-01.

Conditions:
Inborn genetic diseases. Identifiers: MedGen C0950123, MeSH D030342.
Spastic paraplegia. Identifiers: MedGen C0037772, HP:0001258.

Allele frequency attached by ClinVar (database versions not stated): TOPMed 0.00001.

Submissions (2):

Ambry Genetics
Classification: Uncertain significance for Inborn genetic diseases. Last evaluated: 2025-09-01. Review status: criteria provided, single submitter. Criteria: Ambry Variant Classification Scheme 2023. Collection method: clinical testing. Allele origin: germline.

Labcorp Genetics (formerly Invitae), Labcorp
Classification: Uncertain significance for Spastic paraplegia. Last evaluated: 2019-07-26. Review status: criteria provided, single submitter. Criteria: Invitae Variant Classification Sherloc (09022015). Collection method: clinical testing. Allele origin: germline.
Comment: Algorithms developed to predict the effect of missense changes on protein structure and function are either unavailable or do not agree on the potential impact of this missense change (SIFT: "Deleterious"; PolyPhen-2: "Benign"; Align-GVGD: "Class C0"). This variant has not been reported in the literature in individuals with GJC2-related conditions. The frequency data for this variant in the population databases is considered unreliable, as metrics indicate insufficient coverage at this position in the ExAC database. This sequence change replaces arginine with glycine at codon 122 of the GJC2 protein (p.Arg122Gly). The arginine residue is moderately conserved and there is a moderate physicochemical difference between arginine and glycine. In summary, the available evidence is currently insufficient to determine the role of this variant in disease. Therefore, it has been classified as a Variant of Uncertain Significance.